The following is an entry in ClinVar:

ClinVar aggregate classification (germline): Conflicting classifications of pathogenicity. Review status: criteria provided, conflicting classifications (1 of 4 stars). 2 submissions from 2 submitters: Uncertain significance (1); Likely benign (1). Last evaluated 2025-03-18.

Conditions:
Gorlin syndrome. Also called: Basal cell nevus syndrome; Nevoid Basal Cell Carcinoma Syndrome. Identifiers: Orphanet 377, MedGen C0004779, MONDO:0007187.
Hereditary cancer-predisposing syndrome. Also called: Tumor predisposition; Neoplastic Syndromes, Hereditary; Hereditary Cancer Syndrome; Hereditary neoplastic syndrome. Identifiers: Orphanet 140162, MedGen C0027672, MeSH D009386, MONDO:0015356.

gnomAD v4.1: 2 of 1,614,140 alleles (0.00012%); no homozygotes.

Submissions (2):

Ambry Genetics
Classification: Uncertain significance for Hereditary cancer-predisposing syndrome. Last evaluated: 2025-03-18. Review status: criteria provided, single submitter. Criteria: Ambry Variant Classification Scheme 2023. Collection method: clinical testing. Allele origin: germline.
Comment: The p.P726L variant (also known as c.2177C>T), located in coding exon 14 of the PTCH1 gene, results from a C to T substitution at nucleotide position 2177. The proline at codon 726 is replaced by leucine, an amino acid with similar properties. This amino acid position is highly conserved in available vertebrate species. In addition, the in silico prediction for this alteration is inconclusive. Based on the available evidence, the clinical significance of this variant remains unclear.

Labcorp Genetics (formerly Invitae), Labcorp
Classification: Likely benign for Gorlin syndrome. Last evaluated: 2023-10-10. Review status: criteria provided, single submitter. Criteria: Invitae Variant Classification Sherloc (09022015). Collection method: clinical testing. Allele origin: germline.

NM_000264.5(PTCH1):c.2177C>T (p.Pro726Leu)

Genes: PTCH1 (patched 1; minus strand), LOC100507346 (uncharacterized LOC100507346; plus strand). Cytogenetic location: 9q22.32.
Variant type: single nucleotide variant.
Coding change: c.2177C>T on transcript NM_000264.5 (MANE Select); coding-DNA position 2177, C replaced by T.
Protein change: p.Pro726Leu; replaces proline 726 with leucine.
Molecular consequence: missense variant. On other transcripts: non-coding transcript variant (2).
Genome position (GRCh38, 1-based): chr9:95,468,824, G>A on the plus strand (C>T on the coding strand, the complement: PTCH1 is on the minus strand). VCF-style: chr9-95468824-G-A. GRCh37 (hg19) VCF-style: chr9-98231106-G-A.
Other names: c.1979C>T, p.Pro660Leu (NM_001083602.3); c.2174C>T, p.Pro725Leu (NM_001083603.3); c.1724C>T, p.Pro575Leu (NM_001083604.3, NM_001083605.3, NM_001083606.3 and 1 more transcripts); c.2021C>T, p.Pro674Leu (NM_001354918.2); short protein forms P660L, P726L, P674L, P725L, P575L.
Identifiers: ClinVar variation 486197 (VCV000486197.20), dbSNP rs587780697, ClinGen allele CA374115435.
Genomic context (GRCh38, chr9:95,468,824, plus strand): 5'-TTCAAGAGGAAAGGAGCATAGTGCTTCTCAGCAAAAGATGAGAGTGTCCACTTCGTACAG[G>A]GGGGCTCGAGGCAGTGGAGGCTGGAGTCGGAGAACTGGGAGAGCAGGTCCCTTGTGGAGC-3'
Protein context (NP_000255.2, residues 716-736): SDSSLHCLEP[Pro726Leu]CTKWTLSSFA